The following is an entry in ClinVar:

ClinVar aggregate classification (germline): Benign. Review status: criteria provided, multiple submitters, no conflicts (2 of 4 stars). 4 submissions from 3 submitters: Benign (4). Last evaluated 2020-04-28.

Conditions:
Familial hyperinsulinism. Also called: Congenital hyperinsulinism. Identifiers: Orphanet 276525, MedGen C3888018, MONDO:0017182. Disease mechanism: loss of function.
Maturity-onset diabetes of the young type 1. Also called: MILD JUVENILE DIABETES MELLITUS; MODY type 1; Diabetes mellitus MODY type 1; MODY HNF4A related; HNF4A-Related Maturity-Onset Diabetes of the Young Type 1; MODY, type I. Identifiers: Orphanet 552, MedGen C1852093, MONDO:0007452, OMIM 125850. Disease mechanism: loss of function.

Allele frequency attached by ClinVar (database versions not stated): gnomAD exomes 0.14141; gnomAD 0.24797 and 0.25194; TOPMed 0.27735; 1000 Genomes Project 0.38319; 1000 Genomes Project 30x 0.38929.
gnomAD v4.1: 38,112 of 152,172 alleles (25%); highest among the groups gnomAD compares: East Asian, 59%; 6,867 homozygotes.

Submissions (4):

GeneDx
Classification: Benign. Last evaluated: 2020-04-28. Review status: criteria provided, single submitter. Criteria: GeneDx Variant Classification Process June 2021. Collection method: clinical testing. Allele origin: germline. Affected: yes.
Comment: This variant is associated with the following publications: (PMID: 31461081)

Illumina Laboratory Services, Illumina
Classification: Benign for Maturity-onset diabetes of the young type 1. Last evaluated: 2018-01-13. Review status: criteria provided, single submitter. Criteria: ICSL Variant Classification Criteria 13 December 2019. Collection method: clinical testing. Allele origin: germline.
Comment: This variant was observed in the ICSL laboratory as part of a predisposition screen in an ostensibly healthy population. It had not been previously curated by ICSL or reported in the Human Gene Mutation Database (HGMD: prior to June 1st, 2018), and was therefore a candidate for classification through an automated scoring system. Utilizing variant allele frequency, disease prevalence and penetrance estimates, and inheritance mode, an automated score was calculated to assess if this variant is too frequent to cause the disease. Based on the score and internal cut-off values, a variant classified as benign is not then subjected to further curation. The score for this variant resulted in a classification of benign for this disease.

Illumina Laboratory Services, Illumina
Classification: Benign for Familial hyperinsulinism. Last evaluated: 2018-01-13. Review status: criteria provided, single submitter. Criteria: ICSL Variant Classification Criteria 13 December 2019. Collection method: clinical testing. Allele origin: germline.
Comment: the same text as in the submission from Illumina Laboratory Services, Illumina above.

Breakthrough Genomics
Classification: Benign. Review status: criteria provided, single submitter. Criteria: ACMG Guidelines, 2015. Collection method: not provided. Allele origin: germline. Inheritance: Autosomal dominant inheritance. Affected: yes.

NM_175914.5(HNF4A):c.*1132C>T

Gene: HNF4A (hepatocyte nuclear factor 4 alpha; plus strand). Cytogenetic location: 20q13.12.
Variant type: single nucleotide variant.
Coding change: c.*1132C>T on transcript NM_175914.5 (MANE Select); 1132 bases downstream of the stop codon, C replaced by T.
Molecular consequence: 3 prime UTR variant.
Genome position (GRCh38, 1-based): chr20:44,430,797, C>T. VCF-style: chr20-44430797-C-T. GRCh37 (hg19) VCF-style: chr20-43059437-C-T.
Other names: c.*1132C>T (NM_000457.6, NM_001030003.3, NM_001258355.2 and 3 more transcripts).
Identifiers: ClinVar variation 338458 (VCV000338458.8), dbSNP rs6130615, ClinGen allele CA10652537.